The following is an entry in ClinVar:

ClinVar aggregate classification (germline): Uncertain significance. Review status: criteria provided, multiple submitters, no conflicts (2 of 4 stars). 2 submissions from 2 submitters: Uncertain significance (2). Last evaluated 2025-07-16.

Conditions:
Aortic aneurysm, familial thoracic 4 (AAT4). Also called: AORTIC ANEURYSM/AORTIC DISSECTION AND PATENT DUCTUS ARTERIOSUS. Identifiers: MedGen C1851504, MONDO:0007568, OMIM 132900.
Familial thoracic aortic aneurysm and aortic dissection (TAAD). Also called: Thoracic aortic aneurysms and dissections. Identifiers: Orphanet 91387, MedGen C4707243, MONDO:0019625.

Allele frequency attached by ClinVar (database versions not stated): TOPMed below 0.00001; gnomAD 0.00001.
gnomAD v4.1: 14 of 1,613,966 alleles (0.00087%); highest among the groups gnomAD compares: Non-Finnish European, 0.0012%; no homozygotes.

Submissions (2):

Labcorp Genetics (formerly Invitae), Labcorp
Classification: Uncertain significance for Aortic aneurysm, familial thoracic 4. Last evaluated: 2025-07-16. Review status: criteria provided, single submitter. Criteria: Invitae Variant Classification Sherloc (09022015). Collection method: clinical testing. Allele origin: germline.
Comment: This sequence change replaces glycine, which is neutral and non-polar, with aspartic acid, which is acidic and polar, at codon 310 of the MYH11 protein (p.Gly310Asp). This variant is not present in population databases (gnomAD no frequency). This variant has not been reported in the literature in individuals affected with MYH11-related conditions. ClinVar contains an entry for this variant (Variation ID: 2756789). An algorithm developed to predict the effect of missense changes on protein structure and function (PolyPhen-2) suggests that this variant is likely to be tolerated. In summary, the available evidence is currently insufficient to determine the role of this variant in disease. Therefore, it has been classified as a Variant of Uncertain Significance.

Color Diagnostics, LLC DBA Color Health
Classification: Uncertain significance for Familial thoracic aortic aneurysm and aortic dissection. Last evaluated: 2024-01-08. Review status: criteria provided, single submitter. Criteria: ACMG Guidelines, 2015. Collection method: clinical testing. Allele origin: germline.
Comment: This missense variant replaces glycine with aspartic acid at codon 310 of the MYH11 protein. Computational prediction suggests that this variant may not impact protein structure and function (internally defined REVEL score threshold <= 0.5, PMID: 27666373). To our knowledge, functional studies have not been reported for this variant. This variant has not been reported in individuals affected with MYH11-related disorders in the literature. This variant has not been identified in the general population by the Genome Aggregation Database (gnomAD). The available evidence is insufficient to determine the role of this variant in disease conclusively. Therefore, this variant is classified as a Variant of Uncertain Significance.

NM_002474.3(MYH11):c.908G>A (p.Gly303Asp)

Gene: MYH11 (myosin heavy chain 11; minus strand). Cytogenetic location: 16p13.11.
Variant type: single nucleotide variant.
Coding change: c.908G>A on transcript NM_002474.3 (MANE Select); coding-DNA position 908, G replaced by A.
Protein change: p.Gly303Asp; replaces glycine 303 with aspartic acid.
Molecular consequence: missense variant.
Genome position (GRCh38, 1-based): chr16:15,771,694, C>T on the plus strand (G>A on the coding strand, the complement: MYH11 is on the minus strand). VCF-style: chr16-15771694-C-T. GRCh37 (hg19) VCF-style: chr16-15865551-C-T.
Other names: c.929G>A, p.Gly310Asp (NM_001040113.2, NM_001040114.2); c.908G>A, p.Gly303Asp (NM_022844.3); short protein forms G303D, G310D.
Identifiers: ClinVar variation 2756789 (VCV002756789.4), dbSNP rs2042105793, ClinGen allele CA394868160.